The following is an entry in ClinVar:

NM_198253.3(TERT):c.112C>A (p.Leu38Met)

Genes: TERT (telomerase reverse transcriptase; minus strand), LOC110806263 (TERT 5' regulatory region; plus strand). Cytogenetic location: 5p15.33.
Variant type: single nucleotide variant.
Coding change: c.112C>A on transcript NM_198253.3 (MANE Select); coding-DNA position 112, C replaced by A.
Protein change: p.Leu38Met; replaces leucine 38 with methionine.
Molecular consequence: missense variant. On other transcripts: non-coding transcript variant (2).
Genome position (GRCh38, 1-based): chr5:1,294,878, G>T on the plus strand (C>A on the coding strand, the complement: TERT is on the minus strand). VCF-style: chr5-1294878-G-T. GRCh37 (hg19) VCF-style: chr5-1294993-G-T.
Other names: c.112C>A (NM_198253.2); c.112C>A, p.Leu38Met (NM_001193376.3); short protein forms L38M.
Identifiers: ClinVar variation 1046651 (VCV001046651.11), dbSNP rs1004308241, ClinGen allele CA112915579.

ClinVar aggregate classification (germline): Uncertain significance. Review status: criteria provided, multiple submitters, no conflicts (2 of 4 stars). 3 submissions from 3 submitters: Uncertain significance (3). Last evaluated 2026-03-18.

Conditions:
Dyskeratosis congenita. Identifiers: Orphanet 1775, MedGen C0265965, MONDO:0015780.
Idiopathic Pulmonary Fibrosis. Also called: Idiopathic fibrosing alveolitis, chronic form; idiopathic fibrosing alveolitis. Identifiers: Orphanet 2032, MedGen C1800706, MeSH D054990, MONDO:0800504.
Dyskeratosis congenita, autosomal dominant 2. Identifiers: MedGen C3151443, MONDO:0013521, OMIM 613989.

Allele frequency attached by ClinVar (database versions not stated): TOPMed below 0.00001.

Submissions (3):

Ambry Genetics
Classification: Uncertain significance for Dyskeratosis congenita. Last evaluated: 2026-03-18. Review status: criteria provided, single submitter. Criteria: Ambry Variant Classification Scheme 2023. Collection method: clinical testing. Allele origin: germline.
Comment: The p.L38M variant (also known as c.112C>A), located in coding exon 1 of the TERT gene, results from a C to A substitution at nucleotide position 112. The leucine at codon 38 is replaced by methionine, an amino acid with highly similar properties. This amino acid position is not well conserved in available vertebrate species. In addition, this alteration is predicted to be tolerated by in silico analysis. Based on the available evidence, the clinical significance of this variant remains unclear.

Labcorp Genetics (formerly Invitae), Labcorp
Classification: Uncertain significance for Dyskeratosis congenita, autosomal dominant 2; Idiopathic Pulmonary Fibrosis. Last evaluated: 2023-10-06. Review status: criteria provided, single submitter. Criteria: Invitae Variant Classification Sherloc (09022015). Collection method: clinical testing. Allele origin: germline.
Comment: This sequence change replaces leucine, which is neutral and non-polar, with methionine, which is neutral and non-polar, at codon 38 of the TERT protein (p.Leu38Met). This variant is not present in population databases (gnomAD no frequency). This variant has not been reported in the literature in individuals affected with TERT-related conditions. ClinVar contains an entry for this variant (Variation ID: 1046651). Advanced modeling of protein sequence and biophysical properties (such as structural, functional, and spatial information, amino acid conservation, physicochemical variation, residue mobility, and thermodynamic stability) performed at Invitae indicates that this missense variant is expected to disrupt TERT protein function. In summary, the available evidence is currently insufficient to determine the role of this variant in disease. Therefore, it has been classified as a Variant of Uncertain Significance.

GeneDx
Classification: Uncertain significance. Last evaluated: 2023-10-01. Review status: criteria provided, single submitter. Criteria: GeneDx Variant Classification Process June 2021. Collection method: clinical testing. Allele origin: germline. Affected: yes.
Comment: Not observed at significant frequency in large population cohorts (gnomAD); In silico analysis supports that this missense variant does not alter protein structure/function; Has not been previously published as pathogenic or benign to our knowledge